The following is an entry in ClinVar:

ClinVar aggregate classification (germline): Conflicting classifications of pathogenicity. Review status: criteria provided, conflicting classifications (1 of 4 stars). 11 submissions from 8 submitters: Uncertain significance (3); Benign (2); Likely benign (5). 1 of the submissions does not count toward it. Last evaluated 2026-01-12.

Conditions:
Autosomal dominant hypocalcemia 1 (HYPOC1). Also called: HYPOCALCEMIA, FAMILIAL. Identifiers: MedGen C3715128, MONDO:0011013, OMIM 601198.
Familial hypocalciuric hypercalcemia (FHH). Also called: Familial benign hypercalcemia. Identifiers: Orphanet 405, MedGen C1809471, MONDO:0018458.
CASR-related disorder. Also called: CASR-related condition.
Nephrolithiasis/nephrocalcinosis. Identifiers: MedGen CN580796.
Familial hypocalciuric hypercalcemia 1. Also called: Hypercalcemia, familial benign type 1. Identifiers: Orphanet 405, Orphanet 93372, MedGen C0342637, MONDO:0007791, OMIM 145980.
Hereditary cancer-predisposing syndrome. Also called: Tumor predisposition; Hereditary Cancer Syndrome; Neoplastic Syndromes, Hereditary; Hereditary neoplastic syndrome. Identifiers: Orphanet 140162, MedGen C0027672, MeSH D009386, MONDO:0015356.
Neonatal severe primary hyperparathyroidism. Identifiers: Orphanet 417, MedGen C1832615, MONDO:0009397, OMIM 239200.
Familial hypoparathyroidism. Also called: Familial isolated hypoparathyroidism. Identifiers: Orphanet 2238, MedGen C1832648, MONDO:0016390.

Allele frequency attached by ClinVar (database versions not stated): ExAC 0.00006; gnomAD exomes 0.00012 and 0.00026; gnomAD 0.00014; TOPMed 0.00014; 1000 Genomes Project 30x 0.00016; 1000 Genomes Project 0.00020; ESP Exome Variant Server 0.00023.
gnomAD v4.1: 398 of 1,614,064 alleles (0.025%); highest among the groups gnomAD compares: Non-Finnish European, 0.032%; no homozygotes.

Submissions (11):

Labcorp Genetics (formerly Invitae), Labcorp
Classification: Likely benign for Familial hypocalciuric hypercalcemia; Autosomal dominant hypocalcemia 1. Last evaluated: 2026-01-12. Review status: criteria provided, single submitter. Criteria: Invitae Variant Classification Sherloc (09022015). Collection method: clinical testing. Allele origin: germline.

Women's Health and Genetics/Laboratory Corporation of America, LabCorp
Classification: Benign. Last evaluated: 2025-10-03. Review status: criteria provided, single submitter. Criteria: LabCorp Variant Classification Summary - May 2015. Collection method: clinical testing. Allele origin: germline.

Blueprint Genetics
Classification: Likely benign. Last evaluated: 2024-07-19. Review status: criteria provided, single submitter. Criteria: ACMG Guidelines, 2015. Collection method: clinical testing. Allele origin: germline.

CeGaT Center for Human Genetics Tuebingen
Classification: Likely benign. Last evaluated: 2023-05-01. Review status: criteria provided, single submitter. Criteria: CeGaT Center For Human Genetics Tuebingen Variant Classification Criteria Version 2. Collection method: clinical testing. Allele origin: germline. Affected: yes. Observed: 1 variant allele.
Comment: CASR: BP4

Sema4
Classification: Likely benign for Hereditary cancer-predisposing syndrome. Last evaluated: 2021-03-01. Review status: criteria provided, single submitter. Criteria: Sema4 Curation Guidelines. Collection method: curation. Allele origin: germline.

Ambry Genetics
Classification: Likely benign for Nephrolithiasis/nephrocalcinosis. Last evaluated: 2019-07-16. Review status: criteria provided, single submitter. Criteria: Ambry Variant Classification Scheme 2023. Collection method: clinical testing. Allele origin: germline.

Illumina Laboratory Services, Illumina
Classification: Uncertain significance for Neonatal severe primary hyperparathyroidism. Last evaluated: 2018-01-13. Review status: criteria provided, single submitter. Criteria: ICSL Variant Classification Criteria 13 December 2019. Collection method: clinical testing. Allele origin: germline.

Illumina Laboratory Services, Illumina
Classification: Benign for Familial isolated hypoparathyroidism. Last evaluated: 2018-01-13. Review status: criteria provided, single submitter. Criteria: ICSL Variant Classification Criteria 13 December 2019. Collection method: clinical testing. Allele origin: germline.
Comment: This variant was observed in the ICSL laboratory as part of a predisposition screen in an ostensibly healthy population. It had not been previously curated by ICSL or reported in the Human Gene Mutation Database (HGMD: prior to June 1st, 2018), and was therefore a candidate for classification through an automated scoring system. Utilizing variant allele frequency, disease prevalence and penetrance estimates, and inheritance mode, an automated score was calculated to assess if this variant is too frequent to cause the disease. Based on the score and internal cut-off values, a variant classified as benign is not then subjected to further curation. The score for this variant resulted in a classification of benign for this disease.

Illumina Laboratory Services, Illumina
Classification: Uncertain significance for Familial hypocalciuric hypercalcemia 1. Last evaluated: 2018-01-13. Review status: criteria provided, single submitter. Criteria: ICSL Variant Classification Criteria 13 December 2019. Collection method: clinical testing. Allele origin: germline.

Illumina Laboratory Services, Illumina
Classification: Uncertain significance for Autosomal dominant hypocalcemia 1. Last evaluated: 2018-01-13. Review status: criteria provided, single submitter. Criteria: ICSL Variant Classification Criteria 13 December 2019. Collection method: clinical testing. Allele origin: germline.

PreventionGenetics, part of Exact Sciences
Classification: Likely benign for CASR-related condition. Last evaluated: 2023-10-13. Review status: no assertion criteria provided. Collection method: clinical testing. Allele origin: germline. Not counted in ClinVar's aggregate classification.
Comment: This variant is classified as likely benign based on ACMG/AMP sequence variant interpretation guidelines (Richards et al. 2015 PMID: 25741868, with internal and published modifications).

NM_000388.4(CASR):c.1752G>A (p.Lys584=)

Gene: CASR (calcium sensing receptor; plus strand). Cytogenetic location: 3q21.1.
Variant type: single nucleotide variant.
Coding change: c.1752G>A on transcript NM_000388.4 (MANE Select); coding-DNA position 1752, G replaced by A.
Protein change: p.Lys584=; no amino-acid change (lysine 584 retained).
Molecular consequence: synonymous variant.
Genome position (GRCh38, 1-based): chr3:122,283,706, G>A. VCF-style: chr3-122283706-G-A. GRCh37 (hg19) VCF-style: chr3-122002553-G-A.
Other names: c.1782G>A (NM_001178065.1); c.1782G>A, p.Lys594= (NM_001178065.2).
Identifiers: ClinVar variation 237759 (VCV000237759.49), dbSNP rs138638329, ClinGen allele CA2569741.